The following is an entry in ClinVar:

ClinVar aggregate classification (germline): Likely benign (1 of 4 stars; one submission).

Conditions:
White sponge nevus 1. Also called: LEUKOKERATOSIS, HEREDITARY MUCOSAL. Identifiers: MedGen C4011926, MONDO:0008676, OMIM 193900.

Allele frequency attached by ClinVar (database versions not stated): TOPMed 0.00001; gnomAD 0.00002; ExAC 0.00004; gnomAD exomes 0.00004 and 0.00010.

Submission:

Illumina Laboratory Services, Illumina
Classification: Likely benign for White sponge nevus 1. Last evaluated: 2018-01-12. Review status: criteria provided, single submitter. Criteria: ICSL Variant Classification Criteria 13 December 2019. Collection method: clinical testing. Allele origin: germline.
Comment: This variant was observed in the ICSL laboratory as part of a predisposition screen in an ostensibly healthy population. It had not been previously curated by ICSL or reported in the Human Gene Mutation Database (HGMD: prior to June 1st, 2018), and was therefore a candidate for classification through an automated scoring system. Utilizing variant allele frequency, disease prevalence and penetrance estimates, and inheritance mode, an automated score was calculated to assess if this variant is too frequent to cause the disease. Based on the score and internal cut-off values, a variant classified as likely benign is not then subjected to further curation. The score for this variant resulted in a classification of likely benign for this disease.

NM_002272.4(KRT4):c.1147G>A (p.Val383Met)

Gene: KRT4 (keratin 4; minus strand). Cytogenetic location: 12q13.13.
Variant type: single nucleotide variant.
Coding change: c.1147G>A on transcript NM_002272.4 (MANE Select); coding-DNA position 1147, G replaced by A.
Protein change: p.Val383Met; replaces valine 383 with methionine.
Molecular consequence: missense variant.
Genome position (GRCh38, 1-based): chr12:52,807,843, C>T on the plus strand (G>A on the coding strand, the complement: KRT4 is on the minus strand). VCF-style: chr12-52807843-C-T. GRCh37 (hg19) VCF-style: chr12-53201627-C-T.
Other names: short protein forms V383M.
Identifiers: ClinVar variation 309675 (VCV000309675.5), dbSNP rs751984023, ClinGen allele CA6588483.